The following is an entry in ClinVar:

ClinVar aggregate classification (germline): Uncertain significance. Review status: criteria provided, multiple submitters, no conflicts (2 of 4 stars). 2 submissions from 2 submitters: Uncertain significance (2). Last evaluated 2023-12-29.

Conditions:
Familial adenomatous polyposis 1 (FAP1). Also called: POLYPOSIS, ADENOMATOUS INTESTINAL; FAMILIAL ADENOMATOUS POLYPOSIS 1, ATTENUATED. Identifiers: MedGen C2713442, MONDO:0021056, OMIM 175100. Disease mechanism: loss of function.

Submissions (2):

Baylor Genetics
Classification: Uncertain significance for Familial adenomatous polyposis 1. Last evaluated: 2023-12-29. Review status: criteria provided, single submitter. Criteria: ACMG Guidelines, 2015. Collection method: clinical testing. Allele origin: unknown.

Labcorp Genetics (formerly Invitae), Labcorp
Classification: Uncertain significance for Familial adenomatous polyposis 1. Last evaluated: 2022-02-03. Review status: criteria provided, single submitter. Criteria: Invitae Variant Classification Sherloc (09022015). Collection method: clinical testing. Allele origin: germline.
Comment: In summary, the available evidence is currently insufficient to determine the role of this variant in disease. Therefore, it has been classified as a Variant of Uncertain Significance. This sequence change replaces asparagine, which is neutral and polar, with lysine, which is basic and polar, at codon 1012 of the APC protein (p.Asn1012Lys). This variant is not present in population databases (gnomAD no frequency). This variant has not been reported in the literature in individuals affected with APC-related conditions. Algorithms developed to predict the effect of missense changes on protein structure and function (SIFT, PolyPhen-2, Align-GVGD) all suggest that this variant is likely to be disruptive.

NM_000038.6(APC):c.3036T>G (p.Asn1012Lys)

Gene: APC (APC regulator of Wnt signaling pathway; plus strand). Cytogenetic location: 5q22.2.
Variant type: single nucleotide variant.
Coding change: c.3036T>G on transcript NM_000038.6 (MANE Select); coding-DNA position 3036, T replaced by G.
Protein change: p.Asn1012Lys; replaces asparagine 1012 with lysine.
Molecular consequence: missense variant.
Genome position (GRCh38, 1-based): chr5:112,838,630, T>G. VCF-style: chr5-112838630-T-G. GRCh37 (hg19) VCF-style: chr5-112174327-T-G.
Other names: c.3036T>G, p.Asn1012Lys (NM_001127510.3, NM_001354895.2, NM_001407450.1); c.2982T>G, p.Asn994Lys (NM_001127511.3); c.3090T>G, p.Asn1030Lys (NM_001354896.2, NM_001407447.1, NM_001407448.1 and 1 more transcripts); c.3066T>G, p.Asn1022Lys (NM_001354897.2); c.2961T>G, p.Asn987Lys (NM_001354898.2); c.2952T>G, p.Asn984Lys (NM_001354899.2); c.2913T>G, p.Asn971Lys (NM_001354900.2); c.2859T>G, p.Asn953Lys (NM_001354901.2, NM_001407453.1); and 11 more; short protein forms N987K, N1005K, N1012K, N1040K, N929K, N1022K, N729K, N852K.
Identifiers: ClinVar variation 2092648 (VCV002092648.5), dbSNP rs2149882824, ClinGen allele CA16027974.